The following is an entry in ClinVar:

NM_022455.5(NSD1):c.96C>G (p.Phe32Leu)

Gene: NSD1 (nuclear receptor binding SET domain protein 1; plus strand). Cytogenetic location: 5q35.3.
Variant type: single nucleotide variant.
Coding change: c.96C>G on transcript NM_022455.5 (MANE Select); coding-DNA position 96, C replaced by G.
Protein change: p.Phe32Leu; replaces phenylalanine 32 with leucine.
Molecular consequence: missense variant. On other transcripts: 5 prime UTR variant (7).
Genome position (GRCh38, 1-based): chr5:177,135,199, C>G. VCF-style: chr5-177135199-C-G. GRCh37 (hg19) VCF-style: chr5-176562200-C-G.
Other names: c.-38C>G (NM_001409307.1, NM_001409308.1, NM_001409309.1 and 4 more transcripts); c.96C>G, p.Phe32Leu (NM_001409301.1, NM_001409302.1, NM_001409303.1 and 1 more transcripts); short protein forms F32L.
Identifiers: ClinVar variation 4881080 (VCV004881080.2).

ClinVar aggregate classification (germline): Uncertain significance (1 of 4 stars; one submission).

gnomAD v4.1: 1 of 1,613,636 alleles (0.000062%); highest among the groups gnomAD compares: Non-Finnish European, 0.000085%; no homozygotes.

Submission:

Dasa
Classification: Uncertain significance. Last evaluated: 2026-02-19. Review status: criteria provided, single submitter. Criteria: DASA Assertion Criteria. Collection method: clinical testing. Allele origin: germline.
Comment: NM_022455.5(NSD1):c.96C>G (p.Phe32Leu) is a missense variant that results in the substitution of phenylalanine with leucine. This variant is rare in population databases. The currently available literature and clinical evidence are not sufficient to establish a definitive association between this variant and the reported condition. Therefore, this variant is classified as a variant of uncertain significance.